The following is an entry in ClinVar:

ClinVar aggregate classification (germline): Benign (1 of 4 stars; one submission).

Submission:

GeneDx
Classification: Benign. Last evaluated: 2013-03-28. Review status: criteria provided, single submitter. Criteria: GeneDx Variant Classification (06012015). Collection method: clinical testing. Allele origin: germline.
Comment: The variant is found in USHER panel(s).

NM_033056.3:c.+15180G>A

Gene: PCDH15 (protocadherin related 15; minus strand). Cytogenetic location: 10q21.1.
Variant type: single nucleotide variant.
Other names: p.K1645K:AAG>AAA.
Identifiers: ClinVar variation 138588 (VCV000138588.1).